The following is an entry in ClinVar:

ClinVar aggregate classification (germline): Pathogenic (1 of 4 stars; one submission).

Conditions:
Tuberous sclerosis 2 (TSC2). Identifiers: Orphanet 805, MedGen C1860707, MONDO:0013199, OMIM 613254.

Submission:

Baylor Genetics
Classification: Pathogenic for Tuberous sclerosis 2. Last evaluated: 2019-11-03. Review status: criteria provided, single submitter. Criteria: ACMG Guidelines, 2015. Collection method: clinical testing. Allele origin: de novo. Affected: yes.
Comment: This variant was determined to be pathogenic according to ACMG Guidelines, 2015 [PMID:25741868].

NM_000548.5(TSC2):c.600-2A>T

Gene: TSC2 (TSC complex subunit 2; plus strand). Cytogenetic location: 16p13.3.
Variant type: single nucleotide variant.
Coding change: c.600-2A>T on transcript NM_000548.5 (MANE Select); the canonical splice acceptor site of the intron before coding-DNA position 600, A replaced by T.
Molecular consequence: splice acceptor variant. On other transcripts: 5 prime UTR variant (4).
Genome position (GRCh38, 1-based): chr16:2,056,194, A>T. VCF-style: chr16-2056194-A-T. GRCh37 (hg19) VCF-style: chr16-2106195-A-T.
Other names: c.-3A>T (NM_001406680.1, NM_001406683.1, NM_001406687.1); c.-834A>T (NM_001406693.1); c.690-2A>T (NM_001406667.1, NM_001406668.1); c.-832-2A>T (NM_001406689.1, NM_001406690.1, NM_001406692.1 and 2 more transcripts); c.-1008-2A>T (NM_001406698.1); c.600-2A>T (NM_001114382.3, NM_001406663.1, NM_001406664.1 and 8 more transcripts); c.-713-2A>T (NM_001406694.1, NM_001406695.1); c.-820-2A>T (NM_001406696.1); and 6 more.
Identifiers: ClinVar variation 1028343 (VCV001028343.1), dbSNP rs45468592, ClinGen allele CA394310569.
Genomic context (GRCh38, chr16:2,056,194, plus strand): 5'-AGCCCGTGGTGGCTCGGCCATCCAGGCAGTGCTGCCGGGACTGAGCTCGGTGCTCCCTGC[A>T]GGATGATCTGTCTGCTGTGCGTCCGGACCGCGTCCTCTGTGGACATAGAGGTCAGTGCCT-3'